The following is an entry in ClinVar:

NM_000310.4(PPT1):c.455G>A (p.Cys152Tyr)

Gene: PPT1 (palmitoyl-protein thioesterase 1; minus strand). Cytogenetic location: 1p34.2.
Variant type: single nucleotide variant.
Coding change: c.455G>A on transcript NM_000310.4 (MANE Select); coding-DNA position 455, G replaced by A.
Protein change: p.Cys152Tyr; replaces cysteine 152 with tyrosine.
Molecular consequence: missense variant.
Genome position (GRCh38, 1-based): chr1:40,089,491, C>T on the plus strand (G>A on the coding strand, the complement: PPT1 is on the minus strand). VCF-style: chr1-40089491-C-T. GRCh37 (hg19) VCF-style: chr1-40555163-C-T.
Other names: c.146G>A, p.Cys49Tyr (NM_001142604.2); c.455G>A, p.Cys152Tyr (NM_001363695.2); short protein forms C152Y, C49Y.
Identifiers: ClinVar variation 56195 (VCV000056195.2), dbSNP rs386833647, ClinGen allele CA263508.

ClinVar aggregate classification (germline): Likely pathogenic (0 of 4 stars; one submission).

Conditions:
Neuronal ceroid lipofuscinosis 1 (CLN1). Also called: CEROID LIPOFUSCINOSIS, NEURONAL, 1, VARIABLE AGE AT ONSET; PPT1-Related Neuronal Ceroid-Lipofuscinosis. Identifiers: Orphanet 228329, MedGen C1850451, MONDO:0009744, OMIM 256730.

Submission:

Juha Muilu Group; Institute for Molecular Medicine Finland (FIMM)
Classification: Likely pathogenic for Ceroid lipofuscinosis neuronal 1. Review status: no assertion criteria provided. Collection method: not provided. Allele origin: unknown.
Comment: FinDis database variant: This variant was not found or characterized by our laboratory, data were collected from public sources: see reference
ClinVar note: Converted during submission from probable-pathogenic to Likely pathogenic.